The following is an entry in ClinVar:

NM_000545.8(HNF1A):c.1309+238G>A

Gene: HNF1A (HNF1 homeobox A; plus strand). Cytogenetic location: 12q24.31.
Variant type: single nucleotide variant.
Coding change: c.1309+238G>A on transcript NM_000545.8 (MANE Select); 238 bases into the intron after coding-DNA position 1309, G replaced by A.
Molecular consequence: intron variant.
Genome position (GRCh38, 1-based): chr12:120,996,980, G>A. VCF-style: chr12-120996980-G-A. GRCh37 (hg19) VCF-style: chr12-121434783-G-A.
Other names: c.1309+238G>A (NM_001306179.2).
Identifiers: ClinVar variation 135502 (VCV000135502.2), dbSNP rs564888406, ClinGen allele CA162957.

ClinVar aggregate classification (germline): Benign. Review status: criteria provided, single submitter (1 of 4 stars). 2 submissions from 2 submitters: Benign (1). 1 of the submissions does not count toward it.

Conditions:
Maturity-onset diabetes of the young (MODY). Also called: Maturity onset diabetes mellitus in young. Identifiers: Orphanet 552, MedGen C0342276, MONDO:0018911, HP:0004904.

Allele frequency attached by ClinVar (database versions not stated): gnomAD 0.00001; gnomAD exomes 0.00004 and 0.00021; 1000 Genomes Project 30x 0.00016; 1000 Genomes Project 0.00020; ExAC 0.00057.

Submissions (2):

Clinical Genomics, Uppaluri K&H Personalized Medicine Clinic
Classification: Benign for Maturity-onset diabetes of the young. Review status: criteria provided, single submitter. Criteria: K & H Uppaluri Personalized Medicine Clinic Variant Classification & Assertion Criteria_Updated V.1. Collection method: research. Allele origin: unknown. Inheritance: Autosomal dominant inheritance.
Comment: Mutations in HNF1A gene can predispose to MODY3. It is associated with both micro and macrovascular complications of diabetes, especially cardiovascular complications. Associated with glucosuria. May respond well to sulfonylureas. However, more evidence is required to confer the association of this particular variant rs564888406 with MODY3.

ITMI
No classification provided. Condition: AllHighlyPenetrant. Last evaluated: 2013-09-19. Review status: no classification provided. Collection method: reference population. Allele origin: germline. Not counted in ClinVar's aggregate classification.
Comment: Please see associated publication for description of ethnicities

Literature cited by the submitters: PubMed 31517624 (cited by Clinical Genomics, Uppaluri K&H Personalized Medicine Clinic); PubMed 32395877 (cited by Clinical Genomics, Uppaluri K&H Personalized Medicine Clinic); PubMed 35328643 (cited by Clinical Genomics, Uppaluri K&H Personalized Medicine Clinic); PubMed 35673428 (cited by Clinical Genomics, Uppaluri K&H Personalized Medicine Clinic); PubMed 24728327 (cited by ITMI).